The following is an entry in ClinVar:

NM_006914.4(RORB):c.1249_1251del (p.Thr417del)

Gene: RORB (RAR related orphan receptor B; plus strand). Cytogenetic location: 9q21.13.
Variant type: Deletion.
Coding change: c.1249_1251del on transcript NM_006914.4 (MANE Select); coding-DNA positions 1249 to 1251, 3 bases deleted (ACG; older notation c.1249_1251delACG).
Protein change: p.Thr417del; deletes threonine 417.
Molecular consequence: inframe deletion.
Genome position (GRCh38, 1-based): chr9:74,685,487-74,685,489, ACG deleted. VCF-style (leftmost placement, unchanged base first): chr9-74685486-CACG-C. GRCh37 (hg19) VCF-style: chr9-77300402-CACG-C.
Other names: c.1282_1284del, p.Thr428del (NM_001365023.1); short protein forms T417del, T428del.
Identifiers: ClinVar variation 225116 (VCV000225116.2), dbSNP rs869312972, ClinGen allele CA358269.

ClinVar aggregate classification (germline): Likely pathogenic. Review status: criteria provided, single submitter (1 of 4 stars). 2 submissions from 2 submitters: Likely pathogenic (1). 1 of the submissions does not count toward it.

Conditions:
Epilepsy, idiopathic generalized, susceptibility to, 15 (EIG15). Identifiers: MedGen C5193050, MONDO:0032699, OMIM 618357.
Inborn genetic diseases. Identifiers: MedGen C0950123, MeSH D030342.

Submissions (2):

Ambry Genetics
Classification: Likely pathogenic for Inborn genetic diseases. Review status: criteria provided, single submitter. Criteria: Ambry exome assertion method (8-5-2015). Collection method: clinical testing. Allele origin: germline. Inheritance: Autosomal dominant inheritance. Affected: yes. Observed: 1 heterozygote. Segregation with disease observed.
Comment: LIKELY POSITIVE: Relevant Alteration(s) Detected

OMIM
Classification: risk factor for EPILEPSY, IDIOPATHIC GENERALIZED, SUSCEPTIBILITY TO, 15. Last evaluated: 2019-03-14. Review status: no assertion criteria provided. Collection method: literature only. Allele origin: germline. Not counted in ClinVar's aggregate classification.

Literature cited by the submitters: PubMed 25356972 (cited by Ambry Genetics); PubMed 27352968 (cited by OMIM).